The following is an entry in ClinVar:

ClinVar aggregate classification (germline): Pathogenic (1 of 4 stars; one submission).

Submission:

Labcorp Genetics (formerly Invitae), Labcorp
Classification: Pathogenic. Last evaluated: 2022-08-19. Review status: criteria provided, single submitter. Criteria: Invitae Variant Classification Sherloc (09022015). Collection method: clinical testing. Allele origin: germline.
Comment: For these reasons, this variant has been classified as Pathogenic. Studies have shown that disruption of this splice site alters mRNA splicing and is expected to lead to the loss of protein expression (PMID: 31557081). Disruption of this splice site has been observed in individual(s) with vitamin D-dependent rickets (PMID: 31557081). This variant is not present in population databases (gnomAD no frequency). This sequence change affects a donor splice site in intron 8 of the VDR gene. It is expected to disrupt RNA splicing. Variants that disrupt the donor or acceptor splice site typically lead to a loss of protein function (PMID: 16199547), and loss-of-function variants in VDR are known to be pathogenic (PMID: 10204116, 24246681).

Literature cited by the submitters: PubMed 31557081; PubMed 16199547; PubMed 10204116; PubMed 24246681.

NM_000376.3(VDR):c.755+1G>C

Gene: VDR (vitamin D receptor; minus strand). Cytogenetic location: 12q13.11.
Variant type: single nucleotide variant.
Coding change: c.755+1G>C on transcript NM_000376.3 (MANE Select); the canonical splice donor site of the intron after coding-DNA position 755, G replaced by C.
Molecular consequence: splice donor variant.
Genome position (GRCh38, 1-based): chr12:47,855,629, C>G on the plus strand (G>C on the coding strand, the complement: VDR is on the minus strand). VCF-style: chr12-47855629-C-G. GRCh37 (hg19) VCF-style: chr12-48249412-C-G.
Other names: c.755+1G>C (NM_001374662.1, NM_001364085.2, NM_001017535.2 and 1 more transcripts); c.905+1G>C (NM_001017536.2).
Identifiers: ClinVar variation 2024664 (VCV002024664.4), dbSNP rs919014520, ClinGen allele CA384518098.
Genomic context (GRCh38, chr12:47,855,629, plus strand): 5'-CTTCTTGTAGCTCAGTCTAGGACTCTGACTCTGTTCCCCAGAGATTGCAGAAGTTTCTTA[C>G]CTGAATCCTGGTATCATCTTAGCAAAGCCAATGACCTTTTGGATGCTGTAACTGACCAGG-3'